The following is an entry in ClinVar:

ClinVar aggregate classification (germline): Uncertain significance (1 of 4 stars; one submission).

Conditions:
Acromesomelic dysplasia 1, Maroteaux type (AMD1). Also called: ST. HELENA DYSPLASIA; ACROMESOMELIC DYSPLASIA 1. Identifiers: Orphanet 40, MedGen C1864356, MONDO:0011275, OMIM 602875.
Tall stature-scoliosis-macrodactyly of the great toes syndrome. Also called: Epiphyseal chondrodysplasia, miura type. Identifiers: Orphanet 329191, MedGen C4014690, MONDO:0014401, OMIM 615923.

gnomAD v4.1: 31 of 1,613,742 alleles (0.0019%); highest among the groups gnomAD compares: East Asian, 0.033%; no homozygotes.

Submission:

Labcorp Genetics (formerly Invitae), Labcorp
Classification: Uncertain significance for Tall stature-scoliosis-macrodactyly of the great toes syndrome; Acromesomelic dysplasia 1, Maroteaux type. Last evaluated: 2025-11-05. Review status: criteria provided, single submitter. Criteria: Invitae Variant Classification Sherloc (09022015). Collection method: clinical testing. Allele origin: germline.
Comment: This sequence change replaces valine, which is neutral and non-polar, with isoleucine, which is neutral and non-polar, at codon 187 of the NPR2 protein (p.Val187Ile). This variant is present in population databases (rs768423636, gnomAD 0.01%). This missense change has been observed in individual(s) with acromesomelic dysplasia type Maroteaux (PMID: 24471569). Invitae Evidence Modeling of protein sequence and biophysical properties (such as structural, functional, and spatial information, amino acid conservation, physicochemical variation, residue mobility, and thermodynamic stability) indicates that this missense variant is not expected to disrupt NPR2 protein function with a negative predictive value of 80%. Experimental studies have shown that this missense change does not substantially affect NPR2 function (PMID: 24471569). In summary, the available evidence is currently insufficient to determine the role of this variant in disease. Therefore, it has been classified as a Variant of Uncertain Significance.

Literature cited by the submitters: PubMed 24471569.

NM_003995.4(NPR2):c.559G>A (p.Val187Ile)

Gene: NPR2 (natriuretic peptide receptor 2; plus strand). Cytogenetic location: 9p13.3.
Variant type: single nucleotide variant.
Coding change: c.559G>A on transcript NM_003995.4 (MANE Select); coding-DNA position 559, G replaced by A.
Protein change: p.Val187Ile; replaces valine 187 with isoleucine.
Molecular consequence: missense variant.
Genome position (GRCh38, 1-based): chr9:35,792,967, G>A. VCF-style: chr9-35792967-G-A. GRCh37 (hg19) VCF-style: chr9-35792964-G-A.
Other names: c.559G>A, p.Val187Ile (NM_001378923.1); short protein forms V187I.
Identifiers: ClinVar variation 4790665 (VCV004790665.1).